The following is an entry in ClinVar:

NM_015047.3(EMC1):c.1201C>T (p.Arg401Trp)

Genes: EMC1 (ER membrane protein complex subunit 1; minus strand), EMC1-AS1 (EMC1 antisense RNA 1; plus strand). Cytogenetic location: 1p36.13.
Variant type: single nucleotide variant.
Coding change: c.1201C>T on transcript NM_015047.3 (MANE Select); coding-DNA position 1201, C replaced by T.
Protein change: p.Arg401Trp; replaces arginine 401 with tryptophan.
Molecular consequence: missense variant.
Genome position (GRCh38, 1-based): chr1:19,238,028, G>A on the plus strand (C>T on the coding strand, the complement: EMC1 is on the minus strand). VCF-style: chr1-19238028-G-A. GRCh37 (hg19) VCF-style: chr1-19564522-G-A.
Other names: c.1198C>T, p.Arg400Trp (NM_001271427.2, NM_001375821.1); c.1201C>T, p.Arg401Trp (NM_001271428.2, NM_001375820.1); c.1135C>T, p.Arg379Trp (NM_001271429.2); c.1201C>T (NM_015047.2); short protein forms R379W, R400W, R401W.
Identifiers: ClinVar variation 1010254 (VCV001010254.7), dbSNP rs778418940, ClinGen allele CA652639.

ClinVar aggregate classification (germline): Conflicting classifications of pathogenicity. Review status: criteria provided, conflicting classifications (1 of 4 stars). 2 submissions from 2 submitters: Uncertain significance (1); Benign (1). Last evaluated 2025-08-20.

Allele frequency attached by ClinVar (database versions not stated): TOPMed 0.00001; gnomAD 0.00002 and 0.00006; gnomAD exomes 0.00008 and 0.00017; ExAC 0.00017.
gnomAD v4.1: 127 of 1,613,640 alleles (0.0079%); highest among the groups gnomAD compares: South Asian, 0.12%; 2 homozygotes.

Submissions (2):

Labcorp Genetics (formerly Invitae), Labcorp
Classification: Benign. Last evaluated: 2025-08-20. Review status: criteria provided, single submitter. Criteria: Invitae Variant Classification Sherloc (09022015). Collection method: clinical testing. Allele origin: germline.

GeneDx
Classification: Uncertain significance. Last evaluated: 2024-09-03. Review status: criteria provided, single submitter. Criteria: GeneDx Variant Classification Process June 2021. Collection method: clinical testing. Allele origin: germline. Affected: yes.
Comment: In silico analysis indicates that this missense variant does not alter protein structure/function; This variant is associated with the following publications: (PMID: 30826214, 29271071)